The following is an entry in ClinVar:

NM_145331.3(MAP3K7):c.499G>T (p.Gly167Trp)

Gene: MAP3K7 (mitogen-activated protein kinase kinase kinase 7; minus strand). Cytogenetic location: 6q15.
Variant type: single nucleotide variant.
Coding change: c.499G>T on transcript NM_145331.3 (MANE Select); coding-DNA position 499, G replaced by T.
Protein change: p.Gly167Trp; replaces glycine 167 with tryptophan.
Molecular consequence: missense variant.
Genome position (GRCh38, 1-based): chr6:90,556,608, C>A on the plus strand (G>T on the coding strand, the complement: MAP3K7 is on the minus strand). VCF-style: chr6-90556608-C-A. GRCh37 (hg19) VCF-style: chr6-91266327-C-A.
Other names: c.499G>T, p.Gly167Trp (NM_003188.4, NM_145332.3, NM_145333.3); short protein forms G167W.
Identifiers: ClinVar variation 4859509 (VCV004859509.1).
Genomic context (GRCh38, chr6:90,556,608, plus strand): 5'-TCATGTGTGTCTGAATGTCACAGGCTGTACCAAAATCACAAATTTTTAGAACTGTCCCCC[C>A]TGCAACCAGCAGTAAGCTGTTTAAAAAAAAACAAAAAACATCAAAAGTTACAAGGCCAAC-3'
Protein context (NP_663304.1, residues 157-177): LKPPNLLLVA[Gly167Trp]GTVLKICDFG

ClinVar aggregate classification (germline): Uncertain significance (1 of 4 stars; one submission).

Conditions:
Inborn genetic diseases. Identifiers: MedGen C0950123, MeSH D030342.

gnomAD v4.1: 8 of 1,607,826 alleles (0.0005%); highest among the groups gnomAD compares: African/African-American, 0.0014%; no homozygotes.

Submission:

Ambry Genetics
Classification: Uncertain significance for Inborn genetic diseases. Last evaluated: 2026-03-19. Review status: criteria provided, single submitter. Criteria: Ambry Variant Classification Scheme 2023. Collection method: clinical testing. Allele origin: germline.
Comment: The c.499G>T (p.G167W) alteration is located in exon 6 (coding exon 6) of the MAP3K7 gene. This alteration results from a G to T substitution at nucleotide position 499, causing the glycine (G) at amino acid position 167 to be replaced by a tryptophan (W). Based on data from gnomAD, the T allele has an overall frequency of 0.001% (2/274710) total alleles studied. The highest observed frequency was 0.004% (1/24416) of African alleles. Based on insufficient or conflicting evidence, the clinical significance of this alteration remains unclear.